The following is an entry in ClinVar:

NM_000540.3(RYR1):c.12266A>G (p.Lys4089Arg)

Gene: RYR1 (ryanodine receptor 1; plus strand). Cytogenetic location: 19q13.2.
Variant type: single nucleotide variant.
Coding change: c.12266A>G on transcript NM_000540.3 (MANE Select); coding-DNA position 12266, A replaced by G.
Protein change: p.Lys4089Arg; replaces lysine 4089 with arginine.
Molecular consequence: missense variant.
Genome position (GRCh38, 1-based): chr19:38,548,404, A>G. VCF-style: chr19-38548404-A-G. GRCh37 (hg19) VCF-style: chr19-39039044-A-G.
Other names: c.12251A>G, p.Lys4084Arg (NM_001042723.2); short protein forms K4084R, K4089R.
Identifiers: ClinVar variation 3069662 (VCV003069662.1), dbSNP rs2514601168, ClinGen allele CA405666007.

ClinVar aggregate classification (germline): Uncertain significance (1 of 4 stars; one submission).

Conditions:
Malignant hyperthermia, susceptibility to, 1 (MHS1). Also called: RYR1-Related Malignant Hyperthermia Susceptibility; Anesthesia related hyperthermia; Malignant hyperpyrexia; Fulminating hyperpyrexia; Pharmacogenic myopathy; Malignant hyperthermia suceptibility 1. Identifiers: Orphanet 423, MedGen C2930980, MONDO:0007783, OMIM 145600.

Submission:

All of Us Research Program, National Institutes of Health
Classification: Uncertain significance for Malignant hyperthermia, susceptibility to, 1. Last evaluated: 2023-02-24. Review status: criteria provided, single submitter. Criteria: ACMG Guidelines, 2015. Collection method: clinical testing. Allele origin: germline. Inheritance: Autosomal dominant inheritance. Observed: 1 variant allele, 1 heterozygote.
Comment: This missense variant replaces lysine with arginine at codon 4089 of the RYR1 protein. Computational prediction suggests that this variant may not impact protein structure and function (internally defined REVEL score threshold <= 0.5, PMID: 27666373). To our knowledge, functional studies have not been reported for this variant. This variant has not been reported in individuals affected with RYR1-related disorders in the literature. This variant has not been identified in the general population by the Genome Aggregation Database (gnomAD). The available evidence is insufficient to determine the role of this variant in disease conclusively. Therefore, this variant is classified as a Variant of Uncertain Significance.

This study involves interpretation of variants in research participants for the purpose of population health screening. Participant phenotype was not available at the time of variant classification. Additional details can be found in publication PMID: 35346344, PMCID: PMC8962531